The following is an entry in ClinVar:

ClinVar aggregate classification (germline): Likely pathogenic (1 of 4 stars; one submission).

Conditions:
Branchiootic syndrome 3 (BOS3). Also called: BO SYNDROME 3. Identifiers: MedGen C1842124, MONDO:0012025, OMIM 608389.
Autosomal dominant nonsyndromic hearing loss 23. Identifiers: Orphanet 90635, MedGen C1854594, MONDO:0011519, OMIM 605192.

Submission:

Juno Genomics, Hangzhou Juno Genomics, Inc
Classification: Likely pathogenic for Branchiootic syndrome 3; Autosomal dominant nonsyndromic hearing loss 23. Review status: criteria provided, single submitter. Criteria: ACMG Guidelines, 2015. Collection method: clinical testing. Allele origin: germline. Affected: yes.
Comment: Absent from controls (or at extremely low frequency if recessive) in Genome Aggregation Database, Exome Sequencing Project, 1000 Genomes Project, or Exome Aggregation Consortium.;Novel missense change at an amino acid residue where a different missense change determined to be pathogenic has been seen before.;Multiple lines of computational evidence support a deleterious effect on the gene or gene product (conservation, evolutionary, splicing impact, etc).;The prevalence of the variant in affected individuals is significantly increased compared to the prevalence in controls.;Co-segregation with disease in multiple affected family members in a gene definitively known to cause the disease.

NM_005982.4(SIX1):c.385T>C (p.Tyr129His)

Gene: SIX1 (SIX homeobox 1; minus strand). Cytogenetic location: 14q23.1.
Variant type: single nucleotide variant.
Coding change: c.385T>C on transcript NM_005982.4 (MANE Select); coding-DNA position 385, T replaced by C.
Protein change: p.Tyr129His; replaces tyrosine 129 with histidine.
Molecular consequence: missense variant.
Genome position (GRCh38, 1-based): chr14:60,648,805, A>G on the plus strand (T>C on the coding strand, the complement: SIX1 is on the minus strand). VCF-style: chr14-60648805-A-G. GRCh37 (hg19) VCF-style: chr14-61115523-A-G.
Other names: c.385T>C, p.Tyr129His (NM_001425142.1); short protein forms Y129H.
Identifiers: ClinVar variation 3382037 (VCV003382037.2).